The following is an entry in ClinVar:

NM_153240.5(NPHP3):c.3504A>G (p.Ala1168=)

Genes: NPHP3 (nephrocystin 3; minus strand), NPHP3-ACAD11 (NPHP3-ACAD11 readthrough (NMD candidate); minus strand). Cytogenetic location: 3q22.1.
Variant type: single nucleotide variant.
Coding change: c.3504A>G on transcript NM_153240.5 (MANE Select); coding-DNA position 3504, A replaced by G.
Protein change: p.Ala1168=; no amino-acid change (alanine 1168 retained).
Molecular consequence: synonymous variant. On other transcripts: non-coding transcript variant (1).
Genome position (GRCh38, 1-based): chr3:132,684,620, T>C on the plus strand (A>G on the coding strand, the complement: NPHP3 is on the minus strand). VCF-style: chr3-132684620-T-C. GRCh37 (hg19) VCF-style: chr3-132403464-T-C.
Identifiers: ClinVar variation 592218 (VCV000592218.45), dbSNP rs371505908, ClinGen allele CA2621736.

ClinVar aggregate classification (germline): Conflicting classifications of pathogenicity. Review status: criteria provided, conflicting classifications (1 of 4 stars). 8 submissions from 6 submitters: Uncertain significance (4); Likely benign (4). Last evaluated 2026-01-05.

Conditions:
Nephronophthisis. Also called: Juvenile Nephronophthisis. Identifiers: Orphanet 655, MedGen C0687120, MONDO:0019005, HP:0000090.
Nephronophthisis 3 (NPHP3). Also called: Adolescent nephronophthisis. Identifiers: Orphanet 655, MedGen C1858392, MONDO:0011456, OMIM 604387.
NPHP3-related Meckel-like syndrome. Also called: Meckel syndrome type 7; GOLDSTON SYNDROME. Identifiers: Orphanet 3032, MedGen C2673885, MONDO:0009966, OMIM 267010.
Renal-hepatic-pancreatic dysplasia 1 (RHPD1). Identifiers: MedGen C3715199, MONDO:0008833, OMIM 208540.

Allele frequency attached by ClinVar (database versions not stated): ESP Exome Variant Server 0.00008; gnomAD 0.00014 and 0.00018; TOPMed 0.00014; gnomAD exomes 0.00015 and 0.00020; 1000 Genomes Project 30x 0.00016; 1000 Genomes Project 0.00020; ExAC 0.00020.

Submissions (8):

Labcorp Genetics (formerly Invitae), Labcorp
Classification: Likely benign for Nephronophthisis. Last evaluated: 2026-01-05. Review status: criteria provided, single submitter. Criteria: Invitae Variant Classification Sherloc (09022015). Collection method: clinical testing. Allele origin: germline.

Blueprint Genetics
Classification: Likely benign. Last evaluated: 2024-08-06. Review status: criteria provided, single submitter. Criteria: ACMG Guidelines, 2015. Collection method: clinical testing. Allele origin: germline.

Fulgent Genetics
Classification: Likely benign for Renal-hepatic-pancreatic dysplasia 1; NPHP3-related Meckel-like syndrome; Nephronophthisis 3. Last evaluated: 2024-03-05. Review status: criteria provided, single submitter. Criteria: ACMG Guidelines, 2015. Collection method: clinical testing. Allele origin: germline.

CeGaT Center for Human Genetics Tuebingen
Classification: Likely benign. Last evaluated: 2023-10-01. Review status: criteria provided, single submitter. Criteria: CeGaT Center For Human Genetics Tuebingen Variant Classification Criteria Version 2. Collection method: clinical testing. Allele origin: germline. Affected: yes. Observed: 4 variant alleles.
Comment: NPHP3: BP4, BP7

Eurofins Ntd Llc (ga)
Classification: Uncertain significance. Last evaluated: 2017-09-08. Review status: criteria provided, single submitter. Criteria: EGL Classification Definitions 2015. Collection method: clinical testing. Allele origin: germline. Observed: 2 variant alleles, 2 heterozygotes.

Illumina Laboratory Services, Illumina
Classification: Uncertain significance for Nephronophthisis 3. Last evaluated: 2017-04-27. Review status: criteria provided, single submitter. Criteria: ICSL Variant Classification Criteria 13 December 2019. Collection method: clinical testing. Allele origin: germline.

Illumina Laboratory Services, Illumina
Classification: Uncertain significance for NPHP3-related Meckel-like syndrome. Last evaluated: 2017-04-27. Review status: criteria provided, single submitter. Criteria: ICSL Variant Classification Criteria 13 December 2019. Collection method: clinical testing. Allele origin: germline.

Illumina Laboratory Services, Illumina
Classification: Uncertain significance for Renal-hepatic-pancreatic dysplasia 1. Last evaluated: 2017-04-27. Review status: criteria provided, single submitter. Criteria: ICSL Variant Classification Criteria 13 December 2019. Collection method: clinical testing. Allele origin: germline.